The following is an entry in ClinVar:

ClinVar aggregate classification (germline): Pathogenic (1 of 4 stars; one submission).

Conditions:
Duchenne muscular dystrophy (DMD). Also called: MUSCULAR DYSTROPHY, PSEUDOHYPERTROPHIC PROGRESSIVE, DUCHENNE TYPE; Duchenne Muscular Dystrophy (DMD). Identifiers: Orphanet 98896, MedGen C0013264, MONDO:0010679, OMIM 310200.

Submission:

Labcorp Genetics (formerly Invitae), Labcorp
Classification: Pathogenic for Duchenne muscular dystrophy. Last evaluated: 2025-10-23. Review status: criteria provided, single submitter. Criteria: Invitae Variant Classification Sherloc (09022015). Collection method: clinical testing. Allele origin: germline.
Comment: This sequence change creates a premature translational stop signal (p.Asp2322Thrfs*16) in the DMD gene. It is expected to result in an absent or disrupted protein product. Loss-of-function variants in DMD are known to be pathogenic (PMID: 16770791, 25007885). This variant is not present in population databases (gnomAD no frequency). This premature translational stop signal has been observed in individual(s) with clinical features of DMD-related conditions (PMID: 11524473, 33644936). ClinVar contains an entry for this variant (Variation ID: 1370769). For these reasons, this variant has been classified as Pathogenic.

Literature cited by the submitters: PubMed 16770791; PubMed 25007885; PubMed 11524473; PubMed 33644936.

NM_004006.3(DMD):c.6964del (p.Asp2322fs)

Gene: DMD (dystrophin; minus strand). Cytogenetic location: Xp21.1.
Variant type: Deletion.
Coding change: c.6964del on transcript NM_004006.3 (MANE Select); coding-DNA position 6964, one base deleted (G; older notation c.6964delG).
Protein change: p.Asp2322fs; shifts the reading frame from aspartic acid 2322.
Molecular consequence: frameshift variant. On other transcripts: 5 prime UTR variant (5).
Genome position (GRCh38, 1-based): chrX:31,875,322, C deleted on the plus strand (G on the coding strand, the reverse complement: DMD is on the minus strand). VCF-style (leftmost placement, unchanged base first): chrX-31875321-TC-T. GRCh37 (hg19) VCF-style: chrX-31893438-TC-T.
Other names: c.6964delG (NM_004006.2); c.6940del, p.Asp2314fs (NM_000109.4); c.6952del, p.Asp2318fs (NM_004009.3); c.6595del, p.Asp2199fs (NM_004010.3); c.2941del, p.Asp981fs (NM_004011.4); c.2932del, p.Asp978fs (NM_004012.4); c.-417del (NM_004013.3, NM_004020.4, NM_004021.3 and 2 more transcripts); short protein forms D981fs, D2199fs, D2322fs, D978fs, D2314fs, D2318fs.
Identifiers: ClinVar variation 1370769 (VCV001370769.8), dbSNP rs398124039, ClinGen allele CA267125.
Genomic context (GRCh38, chrX:31,875,321, plus strand): 5'-AGCAGCAGATGATTTAACTGCTCTTCAAGGTCTTCAAGCTTTTTTTCAAGCTGCCCAAGG[TC>T]TTTTATTTGAGCTTCAATTTCTCCTTGTTTCTCAGGTAAAGCTCTGGAAACCTGAAAGGA-3'